The following is an entry in ClinVar:

NM_001206927.2(DNAH8):c.8002-14T>C

Gene: DNAH8 (dynein axonemal heavy chain 8; plus strand). Cytogenetic location: 6p21.2.
Variant type: single nucleotide variant.
Coding change: c.8002-14T>C on transcript NM_001206927.2 (MANE Select); 14 bases into the intron before coding-DNA position 8002, T replaced by C.
Molecular consequence: intron variant.
Genome position (GRCh38, 1-based): chr6:38,883,308, T>C. VCF-style: chr6-38883308-T-C. GRCh37 (hg19) VCF-style: chr6-38851084-T-C.
Other names: c.7351-14T>C (NM_001371.4).
Identifiers: ClinVar variation 4801091 (VCV004801091.1).

ClinVar aggregate classification (germline): Uncertain significance (1 of 4 stars; one submission).

Conditions:
Primary ciliary dyskinesia. Also called: Ciliary dyskinesia. Identifiers: Orphanet 244, MedGen C0008780, MONDO:0016575, HP:0012265.

gnomAD v4.1: 17 of 1,603,650 alleles (0.0011%); highest among the groups gnomAD compares: Non-Finnish European, 0.0014%; no homozygotes.

Submission:

Labcorp Genetics (formerly Invitae), Labcorp
Classification: Uncertain significance for Primary ciliary dyskinesia. Last evaluated: 2025-03-26. Review status: criteria provided, single submitter. Criteria: Invitae Variant Classification Sherloc (09022015). Collection method: clinical testing. Allele origin: germline.
Comment: This sequence change falls in intron 54 of the DNAH8 gene. It does not directly change the encoded amino acid sequence of the DNAH8 protein. This variant is present in population databases (rs758887237, gnomAD 0.004%). This variant has not been reported in the literature in individuals affected with DNAH8-related conditions. Algorithms developed to predict the effect of sequence changes on RNA splicing suggest that this variant may disrupt the consensus splice site. In summary, the available evidence is currently insufficient to determine the role of this variant in disease. Therefore, it has been classified as a Variant of Uncertain Significance.